The following is an entry in ClinVar:

ClinVar aggregate classification (germline): Likely benign. Review status: criteria provided, multiple submitters, no conflicts (2 of 4 stars). 6 submissions from 6 submitters: Likely benign (6). Last evaluated 2025-04-11.

Conditions:
Marfan syndrome (MFS). Also called: FBN1-Related Marfan Syndrome; MARFAN SYNDROME, TYPE I; Marfan syndrome, classic; Marfan syndrome type 1; Marfan's syndrome. Identifiers: Orphanet 284963, Orphanet 558, MedGen C0024796, MONDO:0007947, OMIM 154700.
Familial thoracic aortic aneurysm and aortic dissection (TAAD). Also called: Thoracic aortic aneurysms and dissections. Identifiers: Orphanet 91387, MedGen C4707243, MONDO:0019625.

Allele frequency attached by ClinVar (database versions not stated): gnomAD exomes 0.00001 and 0.00003; ExAC 0.00004; gnomAD 0.00006; TOPMed 0.00009; ESP Exome Variant Server 0.00023.
gnomAD v4.1: 33 of 1,613,266 alleles (0.002%); highest among the groups gnomAD compares: African/African-American, 0.039%; no homozygotes.

Submissions (6):

Labcorp Genetics (formerly Invitae), Labcorp
Classification: Likely benign for Marfan syndrome; Familial thoracic aortic aneurysm and aortic dissection. Last evaluated: 2025-04-11. Review status: criteria provided, single submitter. Criteria: Invitae Variant Classification Sherloc (09022015). Collection method: clinical testing. Allele origin: germline.

CeGaT Center for Human Genetics Tuebingen
Classification: Likely benign. Last evaluated: 2024-12-01. Review status: criteria provided, single submitter. Criteria: CeGaT Center For Human Genetics Tuebingen Variant Classification Criteria Version 2. Collection method: clinical testing. Allele origin: germline. Affected: yes. Observed: 1 variant allele.
Comment: FBN1: BP4, BP7

All of Us Research Program, National Institutes of Health
Classification: Likely benign for Marfan syndrome. Last evaluated: 2024-02-05. Review status: criteria provided, single submitter. Criteria: ACMG Guidelines, 2015. Collection method: clinical testing. Allele origin: germline. Inheritance: Autosomal dominant inheritance. Observed: 11 variant alleles, 11 heterozygotes.
Comment: This study involves interpretation of variants in research participants for the purpose of population health screening. Participant phenotype was not available at the time of variant classification. Additional details can be found in publication PMID: 35346344, PMCID: PMC8962531

Ambry Genetics
Classification: Likely benign for Familial thoracic aortic aneurysm and aortic dissection. Last evaluated: 2022-05-24. Review status: criteria provided, single submitter. Criteria: Ambry Variant Classification Scheme 2023. Collection method: clinical testing. Allele origin: germline.

Women's Health and Genetics/Laboratory Corporation of America, LabCorp
Classification: Likely benign. Last evaluated: 2022-02-12. Review status: criteria provided, single submitter. Criteria: LabCorp Variant Classification Summary - May 2015. Collection method: clinical testing. Allele origin: germline.

Color Diagnostics, LLC DBA Color Health
Classification: Likely benign for Familial thoracic aortic aneurysm and aortic dissection. Last evaluated: 2018-06-18. Review status: criteria provided, single submitter. Criteria: ACMG Guidelines, 2015. Collection method: clinical testing. Allele origin: germline.

NM_000138.5(FBN1):c.2835C>T (p.Ala945=)

Gene: FBN1 (fibrillin 1; minus strand). Cytogenetic location: 15q21.1.
Variant type: single nucleotide variant.
Coding change: c.2835C>T on transcript NM_000138.5 (MANE Select); coding-DNA position 2835, C replaced by T.
Protein change: p.Ala945=; no amino-acid change (alanine 945 retained).
Molecular consequence: synonymous variant.
Genome position (GRCh38, 1-based): chr15:48,492,480, G>A on the plus strand (C>T on the coding strand, the complement: FBN1 is on the minus strand). VCF-style: chr15-48492480-G-A. GRCh37 (hg19) VCF-style: chr15-48784677-G-A.
Identifiers: ClinVar variation 413893 (VCV000413893.30), dbSNP rs140389544, ClinGen allele CA048943.